The following is an entry in ClinVar:

NM_014239.4(EIF2B2):c.76G>A (p.Gly26Ser)

Gene: EIF2B2 (eukaryotic translation initiation factor 2B subunit beta; plus strand). Cytogenetic location: 14q24.3.
Variant type: single nucleotide variant.
Coding change: c.76G>A on transcript NM_014239.4 (MANE Select); coding-DNA position 76, G replaced by A.
Protein change: p.Gly26Ser; replaces glycine 26 with serine.
Molecular consequence: missense variant.
Genome position (GRCh38, 1-based): chr14:75,003,066, G>A. VCF-style: chr14-75003066-G-A. GRCh37 (hg19) VCF-style: chr14-75469769-G-A.
Other names: short protein forms G26S.
Identifiers: ClinVar variation 3768897 (VCV003768897.1).

ClinVar aggregate classification (germline): Uncertain significance (1 of 4 stars; one submission).

gnomAD v4.1: 3 of 1,614,090 alleles (0.00019%); highest among the groups gnomAD compares: East Asian, 0.0067%; no homozygotes.

Submission:

Women's Health and Genetics/Laboratory Corporation of America, LabCorp
Classification: Uncertain significance. Last evaluated: 2025-02-21. Review status: criteria provided, single submitter. Criteria: LabCorp Variant Classification Summary - May 2015. Collection method: clinical testing. Allele origin: germline.
Comment: Variant summary: EIF2B2 c.76G>A (p.Gly26Ser) results in a non-conservative amino acid change in the encoded protein sequence. Three of five in-silico tools predict a damaging effect of the variant on protein function. The variant allele was found at a frequency of 1.2e-05 in 250954 control chromosomes (gnomAD). The available data on variant occurrences in the general population are insufficient to allow any conclusion about variant significance. c.76G>A has been reported in the literature in an individual affected with premature ovarian insufficiency (Liu_2020). This report does not provide unequivocal conclusions about association of the variant with Leukoencephalopathy With Vanishing White Matter. To our knowledge, no experimental evidence demonstrating an impact on protein function has been reported. The following publication has been ascertained in the context of this evaluation (PMID: 32962729). No submitters have cited clinical-significance assessments for this variant to ClinVar. Based on the evidence outlined above, the variant was classified as uncertain significance.

Literature cited by the submitters: PubMed 32962729.